The following is an entry in ClinVar:

NM_000051.4(ATM):c.6739A>C (p.Ile2247Leu)

Genes: ATM (ATM serine/threonine kinase; plus strand), C11orf65 (chromosome 11 open reading frame 65; minus strand). Cytogenetic location: 11q22.3.
Variant type: single nucleotide variant.
Coding change: c.6739A>C on transcript NM_000051.4 (MANE Select); coding-DNA position 6739, A replaced by C.
Protein change: p.Ile2247Leu; replaces isoleucine 2247 with leucine.
Molecular consequence: missense variant. On other transcripts: intron variant (2).
Genome position (GRCh38, 1-based): chr11:108,325,476, A>C. VCF-style: chr11-108325476-A-C. GRCh37 (hg19) VCF-style: chr11-108196203-A-C.
Other names: c.6739A>C, p.Ile2247Leu (NM_001351834.2); c.641-16405T>G (NM_001330368.2); c.*38+9744T>G (NM_001351110.2); short protein forms I2247L.
Identifiers: ClinVar variation 628562 (VCV000628562.31), dbSNP rs587781521, ClinGen allele CA382555176.
Genomic context (GRCh38, chr11:108,325,476, plus strand): 5'-CGCACAGTCATTTTGGAGATCCTGATGGAAAAGGAAATGGACAACTCACAAAGAGAATGT[A>C]TTAAGGACATTCTCACCAAACACCTTGTAGAACTCTCTATACTGGCCAGAACTTTCAAGA-3'
Protein context (NP_000042.3, residues 2237-2257): KEMDNSQREC[Ile2247Leu]KDILTKHLVE

ClinVar aggregate classification (germline): Conflicting classifications of pathogenicity. Review status: criteria provided, conflicting classifications (1 of 4 stars). 5 submissions from 5 submitters: Uncertain significance (3); Likely benign (1). 1 of the submissions does not count toward it. Last evaluated 2025-08-21.

Conditions:
Ataxia-telangiectasia syndrome (AT). Also called: Ataxia-telangiectasia, complementation group D; AT, COMPLEMENTATION GROUP C; ATAXIA-TELANGIECTASIA, COMPLEMENTATION GROUP A; ATAXIA-TELANGIECTASIA, FRESNO VARIANT; Ataxia-telangiectasia; LOUIS-BAR SYNDROME. Identifiers: Orphanet 100, MedGen C0004135, MONDO:0008840, OMIM 208900.
Hereditary cancer-predisposing syndrome. Also called: Tumor predisposition; Hereditary neoplastic syndrome; Neoplastic Syndromes, Hereditary; Hereditary Cancer Syndrome. Identifiers: Orphanet 140162, MedGen C0027672, MeSH D009386, MONDO:0015356.

Submissions (5):

Ambry Genetics
Classification: Likely benign for Hereditary cancer-predisposing syndrome. Last evaluated: 2025-08-21. Review status: criteria provided, single submitter. Criteria: Ambry Variant Classification Scheme 2023. Collection method: clinical testing. Allele origin: germline.

Labcorp Genetics (formerly Invitae), Labcorp
Classification: Uncertain significance for Ataxia-telangiectasia syndrome. Last evaluated: 2024-04-25. Review status: criteria provided, single submitter. Criteria: Invitae Variant Classification Sherloc (09022015). Collection method: clinical testing. Allele origin: germline.
Comment: This sequence change replaces isoleucine, which is neutral and non-polar, with leucine, which is neutral and non-polar, at codon 2247 of the ATM protein (p.Ile2247Leu). This variant is not present in population databases (gnomAD no frequency). This variant has not been reported in the literature in individuals affected with ATM-related conditions. ClinVar contains an entry for this variant (Variation ID: 628562). Algorithms developed to predict the effect of missense changes on protein structure and function output the following: SIFT: "Not Available"; PolyPhen-2: "Benign"; Align-GVGD: "Not Available". The leucine amino acid residue is found in multiple mammalian species, which suggests that this missense change does not adversely affect protein function. In summary, the available evidence is currently insufficient to determine the role of this variant in disease. Therefore, it has been classified as a Variant of Uncertain Significance.

Sema4
Classification: Uncertain significance for Hereditary cancer-predisposing syndrome. Last evaluated: 2022-03-02. Review status: criteria provided, single submitter. Criteria: Sema4 Curation Guidelines. Collection method: curation. Allele origin: germline.
Comment: The ATM c.6739A>C (p.I2247L) variant has been reported in individuals with breast cancer (PMID: 33471991). It was not observed in the large and broad cohorts of the Genome Aggregation Database (PMID: 32461654). This variant has been reported in ClinVar (Variation ID 628562). In silico tools suggest the impact of the variant on protein function is benign though these predictions have not been confirmed by functional studies. The evidence is insufficient to meet ACMG/AMP criteria for classifying the variant as benign or pathogenic. Thus, the clinical significance of this variant is currently uncertain.

Color Diagnostics, LLC DBA Color Health
Classification: Uncertain significance for Hereditary cancer-predisposing syndrome. Last evaluated: 2019-12-03. Review status: criteria provided, single submitter. Criteria: ACMG Guidelines, 2015. Collection method: clinical testing. Allele origin: germline.
Comment: This missense variant replaces isoleucine with leucine at codon 2247 of the ATM protein. Computational prediction suggests that this variant may not impact protein structure and function (internally defined REVEL score threshold <= 0.5, PMID: 27666373). Splice site prediction tools suggest that this variant may not impact RNA splicing. To our knowledge, functional studies have not been performed for this variant. This variant has not been reported in individuals affected with hereditary cancer in the literature. This variant has not been identified in the general population by the Genome Aggregation Database (gnomAD). The available evidence is insufficient to determine the role of this variant in disease conclusively. Therefore, this variant is classified as a Variant of Uncertain Significance.

Natera, Inc.
Classification: Uncertain significance for Ataxia-telangiectasia. Last evaluated: 2021-09-10. Review status: no assertion criteria provided. Collection method: clinical testing. Allele origin: germline. Not counted in ClinVar's aggregate classification.

Literature cited by the submitters: PubMed 33471991 (cited by Sema4).